The following is an entry in ClinVar:

ClinVar aggregate classification (germline): Uncertain significance (1 of 4 stars; one submission).

Submission:

Ambry Genetics
Classification: Uncertain significance. Last evaluated: 2024-10-29. Review status: criteria provided, single submitter. Criteria: Ambry Variant Classification Scheme 2023. Collection method: clinical testing. Allele origin: germline.
Comment: The p.L607F variant (also known as c.1821G>C), located in coding exon 12 of the RINT1 gene, results from a G to C substitution at nucleotide position 1821. The leucine at codon 607 is replaced by phenylalanine, an amino acid with highly similar properties. This amino acid position is highly conserved in available vertebrate species. In addition, this alteration is predicted to be tolerated by in silico analysis. The evidence for this gene-disease relationship is limited; therefore, the clinical significance of this alteration is unclear.

NM_021930.6(RINT1):c.1821G>C (p.Leu607Phe)

Gene: RINT1 (RAD50 interactor 1; plus strand). Cytogenetic location: 7q22.3.
Variant type: single nucleotide variant.
Coding change: c.1821G>C on transcript NM_021930.6 (MANE Select); coding-DNA position 1821, G replaced by C.
Protein change: p.Leu607Phe; replaces leucine 607 with phenylalanine.
Molecular consequence: missense variant. On other transcripts: non-coding transcript variant (1).
Genome position (GRCh38, 1-based): chr7:105,563,882, G>C. VCF-style: chr7-105563882-G-C. GRCh37 (hg19) VCF-style: chr7-105204329-G-C.
Other names: c.1587G>C, p.Leu529Phe (NM_001346599.2); c.798G>C, p.Leu266Phe (NM_001346600.2, NM_001346603.2); c.897G>C, p.Leu299Phe (NM_001346601.2); short protein forms L299F, L266F, L529F, L607F.
Identifiers: ClinVar variation 3433577 (VCV003433577.1).